The following is an entry in ClinVar:

ClinVar aggregate classification (germline): Pathogenic (1 of 4 stars; one submission).

Conditions:
Neurofibromatosis, type 1 (NF1). Also called: VON RECKLINGHAUSEN DISEASE; Peripheral type neurofibromatosis; NEUROFIBROMATOSIS, TYPE I, SOMATIC; Neurofibromatosis, type I. Identifiers: Orphanet 636, MedGen C0027831, MONDO:0018975, OMIM 162200. Disease mechanism: loss of function.

Submission:

Labcorp Genetics (formerly Invitae), Labcorp
Classification: Pathogenic for Neurofibromatosis, type 1. Last evaluated: 2025-03-05. Review status: criteria provided, single submitter. Criteria: Invitae Variant Classification Sherloc (09022015). Collection method: clinical testing. Allele origin: germline.
Comment: This sequence change creates a premature translational stop signal (p.Leu2584*) in the NF1 gene. It is expected to result in an absent or disrupted protein product. Loss-of-function variants in NF1 are known to be pathogenic (PMID: 10712197, 23913538). This variant is not present in population databases (gnomAD no frequency). This variant has not been reported in the literature in individuals affected with NF1-related conditions. Algorithms developed to predict the effect of sequence changes on RNA splicing suggest that this variant may disrupt the consensus splice site. For these reasons, this variant has been classified as Pathogenic.

Literature cited by the submitters: PubMed 10712197; PubMed 23913538.

NM_001042492.3(NF1):c.7814T>A (p.Leu2605Ter)

Gene: NF1 (neurofibromin 1; plus strand). Cytogenetic location: 17q11.2.
Variant type: single nucleotide variant.
Coding change: c.7814T>A on transcript NM_001042492.3 (MANE Select); coding-DNA position 7814, T replaced by A.
Protein change: p.Leu2605Ter; replaces leucine 2605 with a stop codon.
Molecular consequence: nonsense.
Genome position (GRCh38, 1-based): chr17:31,357,035, T>A. VCF-style: chr17-31357035-T-A. GRCh37 (hg19) VCF-style: chr17-29684053-T-A.
Other names: c.7751T>A, p.Leu2584Ter (NM_000267.4); short protein forms L2584*, L2605*.
Identifiers: ClinVar variation 4714439 (VCV004714439.1).